The following is an entry in ClinVar:

ClinVar aggregate classification (germline): Uncertain significance (1 of 4 stars; one submission).

Conditions:
Von Hippel-Lindau syndrome (VHLS). Also called: Von Hippel-Lindau; von Hippel–Lindau syndrome; VHL syndrome. Identifiers: Orphanet 892, MedGen C0019562, MONDO:0008667, OMIM 193300. Disease mechanism: loss of function.
Chuvash polycythemia. Also called: POLYCYTHEMIA, VHL-DEPENDENT. Identifiers: Orphanet 238557, MedGen C1837915, MONDO:0009892, OMIM 263400.

Submission:

Labcorp Genetics (formerly Invitae), Labcorp
Classification: Uncertain significance for Von Hippel-Lindau syndrome; Chuvash polycythemia. Last evaluated: 2025-12-17. Review status: criteria provided, single submitter. Criteria: Invitae Variant Classification Sherloc (09022015). Collection method: clinical testing. Allele origin: germline.
Comment: This sequence change falls in intron 1 of the VHL gene. It is not expected to change the encoded amino acid sequence of the VHL protein. However, this sequence change falls within a cryptic exon in the VHL gene, known as exon E1’, which is naturally expressed at low levels in several human tissues (PMID: 29891534). This variant is not present in population databases (gnomAD no frequency). This variant has not been reported in the literature in individuals affected with VHL-related conditions. Experimental studies and prediction algorithms are not available or were not evaluated, and the functional significance of this variant is currently unknown. Algorithms developed to predict the effect of sequence changes on RNA splicing suggest that this variant is not likely to affect RNA splicing. In summary, the available evidence is currently insufficient to determine the role of this variant in disease. Therefore, it has been classified as a Variant of Uncertain Significance.

Literature cited by the submitters: PubMed 29891534.

NM_000551.4(VHL):c.340+799AG[2]

Genes: VHL (von Hippel-Lindau tumor suppressor; plus strand), LOC107303340 (3p25 von Hippel-Lindau tumor suppressor, E3 ubiquitin protein ligase Alu-mediated recombination region; plus strand). Cytogenetic location: 3p25.3.
Variant type: Microsatellite.
Coding change: c.340+799AG[2] on transcript NM_000551.4 (MANE Select); two copies in a row of the 2-base unit AG starting at c.340+799; the reference has three copies in a row; one copy, 2 bases deleted.
Molecular consequence: intron variant. On other transcripts: frameshift variant (1).
Genome position (GRCh38, 1-based): chr3:10,142,990-10,142,991, AG deleted; deleting any 2 consecutive bases within chr3:10,142,986-10,142,991 gives the same sequence; the position shown is the placement nearest the transcript's 3' end. VCF-style (leftmost placement, unchanged base first): chr3-10142985-AAG-A. GRCh37 (hg19) VCF-style: chr3-10184669-AAG-A.
Other names: c.568_569del, p.Ser190fs (NM_001354723.2); c.340+799AG[2] (NM_198156.3); short protein forms S190fs.
Identifiers: ClinVar variation 1026664 (VCV001026664.6), dbSNP rs1312220751, ClinGen allele CA896160332.